The following is an entry in ClinVar:

ClinVar aggregate classification (germline): Uncertain significance (1 of 4 stars; one submission).

Submission:

Labcorp Genetics (formerly Invitae), Labcorp
Classification: Uncertain significance. Last evaluated: 2025-08-15. Review status: criteria provided, single submitter. Criteria: Invitae Variant Classification Sherloc (09022015). Collection method: clinical testing. Allele origin: germline.
Comment: This variant, c.5443_5445del, results in the deletion of 1 amino acid(s) of the MED12L protein (p.Asn1815del), but otherwise preserves the integrity of the reading frame. This variant is not present in population databases (gnomAD no frequency). This variant has not been reported in the literature in individuals affected with MED12L-related conditions. Experimental studies and prediction algorithms are not available or were not evaluated, and the functional significance of this variant is currently unknown. In summary, the available evidence is currently insufficient to determine the role of this variant in disease. Therefore, it has been classified as a Variant of Uncertain Significance.

NM_001393769.1(MED12L):c.5548_5550del (p.Asn1850del)

Gene: MED12L (mediator complex subunit 12L; plus strand). Cytogenetic location: 3q25.1.
Variant type: Deletion.
Coding change: c.5548_5550del on transcript NM_001393769.1 (MANE Select); coding-DNA positions 5548 to 5550, 3 bases deleted (AAC; older notation c.5548_5550delAAC).
Protein change: p.Asn1850del; deletes asparagine 1850.
Molecular consequence: inframe deletion.
Genome position (GRCh38, 1-based): chr3:151,390,075-151,390,077, AAC deleted; deleting any 3 consecutive bases within chr3:151,390,073-151,390,077 gives the same sequence; the c. name uses the placement nearest the transcript's 3' end. VCF-style (leftmost placement, unchanged base first): chr3-151390072-TACA-T. GRCh37 (hg19) VCF-style: chr3-151107860-TACA-T.
Other names: c.5443_5445del, p.Asn1815del (NM_053002.6); short protein forms N1815del, N1850del.
Identifiers: ClinVar variation 4725467 (VCV004725467.1).